The following is an entry in ClinVar:

NM_020312.4(COQ9):c.911C>T (p.Ala304Val)

Gene: COQ9 (coenzyme Q9; plus strand). Cytogenetic location: 16q21.
Variant type: single nucleotide variant.
Coding change: c.911C>T on transcript NM_020312.4 (MANE Select); coding-DNA position 911, C replaced by T.
Protein change: p.Ala304Val; replaces alanine 304 with valine.
Molecular consequence: missense variant.
Genome position (GRCh38, 1-based): chr16:57,460,094, C>T. VCF-style: chr16-57460094-C-T. GRCh37 (hg19) VCF-style: chr16-57494006-C-T.
Other names: c.911C>T (NM_020312.3); short protein forms A304V.
Identifiers: ClinVar variation 2168035 (VCV002168035.5), dbSNP rs1161244832, ClinGen allele CA396030527.

ClinVar aggregate classification (germline): Uncertain significance. Review status: criteria provided, multiple submitters, no conflicts (2 of 4 stars). 2 submissions from 2 submitters: Uncertain significance (2). Last evaluated 2025-10-06.

Conditions:
Inborn genetic diseases. Identifiers: MedGen C0950123, MeSH D030342.

Allele frequency attached by ClinVar (database versions not stated): gnomAD exomes below 0.00001; TOPMed 0.00004.
gnomAD v4.1: 5 of 1,614,144 alleles (0.00031%); highest among the groups gnomAD compares: Admixed American, 0.0033%; no homozygotes.

Submissions (2):

Labcorp Genetics (formerly Invitae), Labcorp
Classification: Uncertain significance. Last evaluated: 2025-10-06. Review status: criteria provided, single submitter. Criteria: Invitae Variant Classification Sherloc (09022015). Collection method: clinical testing. Allele origin: germline.
Comment: This sequence change replaces alanine, which is neutral and non-polar, with valine, which is neutral and non-polar, at codon 304 of the COQ9 protein (p.Ala304Val). This variant is present in population databases (no rsID available, gnomAD no frequency). This variant has not been reported in the literature in individuals affected with COQ9-related conditions. ClinVar contains an entry for this variant (Variation ID: 2168035). An algorithm developed to predict the effect of missense changes on protein structure and function (PolyPhen-2) suggests that this variant is likely to be disruptive. In summary, the available evidence is currently insufficient to determine the role of this variant in disease. Therefore, it has been classified as a Variant of Uncertain Significance.

Ambry Genetics
Classification: Uncertain significance for Inborn genetic diseases. Last evaluated: 2025-06-07. Review status: criteria provided, single submitter. Criteria: Ambry Variant Classification Scheme 2023. Collection method: clinical testing. Allele origin: germline.